The following is an entry in ClinVar:

NM_001846.4(COL4A2):c.4776G>T (p.Val1592=)

Genes: COL4A2-AS1 (COL4A2 antisense RNA 1; minus strand), COL4A2 (collagen type IV alpha 2 chain; plus strand). Cytogenetic location: 13q34.
Variant type: single nucleotide variant.
Coding change: c.4776G>T on transcript NM_001846.4 (MANE Select); coding-DNA position 4776, G replaced by T.
Protein change: p.Val1592=; no amino-acid change (valine 1592 retained).
Molecular consequence: synonymous variant. On other transcripts: non-coding transcript variant (1).
Genome position (GRCh38, 1-based): chr13:110,508,116, G>T. VCF-style: chr13-110508116-G-T. GRCh37 (hg19) VCF-style: chr13-111160463-G-T.
Other names: p.Val1592=.
Identifiers: ClinVar variation 311187 (VCV000311187.38), dbSNP rs59395531, ClinGen allele CA7050651.

ClinVar aggregate classification (germline): Benign/Likely benign. Review status: criteria provided, multiple submitters, no conflicts (2 of 4 stars). 6 submissions from 6 submitters: Benign (5); Likely benign (1). Last evaluated 2025-11-23.

Conditions:
Brain small vessel disease 2A, autosomal dominant. Also called: Porencephaly 2. Identifiers: Orphanet 2940, Orphanet 99810, MedGen C3280970, MONDO:0013773, OMIM 614483.

Allele frequency attached by ClinVar (database versions not stated): gnomAD exomes 0.00034 and 0.00091; ExAC 0.00109; gnomAD 0.00360 and 0.00387; TOPMed 0.00429; 1000 Genomes Project 0.00479; 1000 Genomes Project 30x 0.00484; ESP Exome Variant Server 0.00497.
gnomAD v4.1: 1,059 of 1,614,262 alleles (0.066%); highest among the groups gnomAD compares: African/African-American, 1.3%; 9 homozygotes.

Submissions (6):

Labcorp Genetics (formerly Invitae), Labcorp
Classification: Benign. Last evaluated: 2025-11-23. Review status: criteria provided, single submitter. Criteria: Invitae Variant Classification Sherloc (09022015). Collection method: clinical testing. Allele origin: germline.

Blueprint Genetics
Classification: Likely benign. Last evaluated: 2024-11-01. Review status: criteria provided, single submitter. Criteria: ACMG Guidelines, 2015. Collection method: clinical testing. Allele origin: germline.

CeGaT Center for Human Genetics Tuebingen
Classification: Benign. Last evaluated: 2024-04-01. Review status: criteria provided, single submitter. Criteria: CeGaT Center For Human Genetics Tuebingen Variant Classification Criteria Version 2. Collection method: clinical testing. Allele origin: germline. Affected: yes. Observed: 1 variant allele.
Comment: COL4A2: BP4, BP7, BS1, BS2

Mayo Clinic Laboratories, Mayo Clinic
Classification: Benign. Last evaluated: 2023-06-28. Review status: criteria provided, single submitter. Criteria: ACMG Guidelines, 2015. Collection method: clinical testing. Allele origin: germline. Observed: 4 variant alleles.
Comment: BS1, BS2, BP4, BP7

Illumina Laboratory Services, Illumina
Classification: Benign for Brain small vessel disease 2A, autosomal dominant. Last evaluated: 2018-01-12. Review status: criteria provided, single submitter. Criteria: ICSL Variant Classification Criteria 13 December 2019. Collection method: clinical testing. Allele origin: germline.
Comment: This variant was observed in the ICSL laboratory as part of a predisposition screen in an ostensibly healthy population. It had not been previously curated by ICSL or reported in the Human Gene Mutation Database (HGMD: prior to June 1st, 2018), and was therefore a candidate for classification through an automated scoring system. Utilizing variant allele frequency, disease prevalence and penetrance estimates, and inheritance mode, an automated score was calculated to assess if this variant is too frequent to cause the disease. Based on the score and internal cut-off values, a variant classified as benign is not then subjected to further curation. The score for this variant resulted in a classification of benign for this disease.

Breakthrough Genomics
Classification: Benign. Review status: criteria provided, single submitter. Criteria: ACMG Guidelines, 2015. Collection method: not provided. Allele origin: germline. Inheritance: Autosomal dominant inheritance. Affected: yes.